The following is an entry in ClinVar:

ClinVar aggregate classification (germline): Uncertain significance. Review status: criteria provided, multiple submitters, no conflicts (2 of 4 stars). 5 submissions from 5 submitters: Uncertain significance (5). Last evaluated 2024-04-08.

Conditions:
Donnai-Barrow syndrome. Also called: DBS/FOAR SYNDROME; FACIOOCULOACOUSTICORENAL SYNDROME. Identifiers: Orphanet 2143, MedGen C1857277, MONDO:0009104, OMIM 222448.
Inborn genetic diseases. Identifiers: MedGen C0950123, MeSH D030342.

Allele frequency attached by ClinVar (database versions not stated): gnomAD exomes 0.00001 and 0.00004; ExAC 0.00002; ESP Exome Variant Server 0.00015; gnomAD 0.00023 and 0.00024; TOPMed 0.00030.
gnomAD v4.1: 59 of 1,614,090 alleles (0.0037%); highest among the groups gnomAD compares: Admixed American, 0.038%; no homozygotes.

Submissions (5):

Fulgent Genetics
Classification: Uncertain significance for Donnai-Barrow syndrome. Last evaluated: 2024-04-08. Review status: criteria provided, single submitter. Criteria: ACMG Guidelines, 2015. Collection method: clinical testing. Allele origin: germline.

Labcorp Genetics (formerly Invitae), Labcorp
Classification: Uncertain significance. Last evaluated: 2022-08-31. Review status: criteria provided, single submitter. Criteria: Invitae Variant Classification Sherloc (09022015). Collection method: clinical testing. Allele origin: germline.
Comment: This sequence change replaces glutamine, which is neutral and polar, with histidine, which is basic and polar, at codon 1025 of the LRP2 protein (p.Gln1025His). This variant is present in population databases (rs374011295, gnomAD 0.02%). This variant has not been reported in the literature in individuals affected with LRP2-related conditions. ClinVar contains an entry for this variant (Variation ID: 1440654). Advanced modeling of protein sequence and biophysical properties (such as structural, functional, and spatial information, amino acid conservation, physicochemical variation, residue mobility, and thermodynamic stability) performed at Invitae indicates that this missense variant is not expected to disrupt LRP2 protein function. In summary, the available evidence is currently insufficient to determine the role of this variant in disease. Therefore, it has been classified as a Variant of Uncertain Significance.

GeneDx
Classification: Uncertain significance. Last evaluated: 2022-05-17. Review status: criteria provided, single submitter. Criteria: GeneDx Variant Classification Process June 2021. Collection method: clinical testing. Allele origin: germline. Affected: yes.
Comment: In silico analysis supports that this missense variant has a deleterious effect on protein structure/function; Has not been previously published as pathogenic or benign to our knowledge

Blueprint Genetics
Classification: Uncertain significance. Last evaluated: 2022-05-04. Review status: criteria provided, single submitter. Criteria: ACMG Guidelines, 2015. Collection method: clinical testing. Allele origin: germline.

Ambry Genetics
Classification: Uncertain significance for Inborn genetic diseases. Last evaluated: 2021-06-23. Review status: criteria provided, single submitter. Criteria: Ambry Variant Classification Scheme 2023. Collection method: clinical testing. Allele origin: germline.

NM_004525.3(LRP2):c.3075G>C (p.Gln1025His)

Gene: LRP2 (LDL receptor related protein 2; minus strand). Cytogenetic location: 2q31.1.
Variant type: single nucleotide variant.
Coding change: c.3075G>C on transcript NM_004525.3 (MANE Select); coding-DNA position 3075, G replaced by C.
Protein change: p.Gln1025His; replaces glutamine 1025 with histidine.
Molecular consequence: missense variant.
Genome position (GRCh38, 1-based): chr2:169,246,820, C>G on the plus strand (G>C on the coding strand, the complement: LRP2 is on the minus strand). VCF-style: chr2-169246820-C-G. GRCh37 (hg19) VCF-style: chr2-170103330-C-G.
Other names: short protein forms Q1025H.
Identifiers: ClinVar variation 1440654 (VCV001440654.8), dbSNP rs374011295, ClinGen allele CA1955132.
Genomic context (GRCh38, chr2:169,246,820, plus strand): 5'-ACAGAGATAGTAATTGGGCACACATCTGCCATTTTTACAGGGGAAGGAAAATAAGCCACA[C>G]TGCTCTGTGGGTGGTTCATTGGTTGGGTCCCCCTCGCATGTCAAGTGATTGGAAGCCAGC-3'
Protein context (NP_004516.2, residues 1015-1035): GDPTNEPPTE[Gln1025His]CGLFSFPCKN